The following is an entry in ClinVar:

NM_014855.3(AP5Z1):c.2180G>A (p.Arg727Lys)

Gene: AP5Z1 (adaptor related protein complex 5 subunit zeta 1; plus strand). Cytogenetic location: 7p22.1.
Variant type: single nucleotide variant.
Coding change: c.2180G>A on transcript NM_014855.3 (MANE Select); coding-DNA position 2180, G replaced by A.
Protein change: p.Arg727Lys; replaces arginine 727 with lysine.
Molecular consequence: missense variant. On other transcripts: non-coding transcript variant (1).
Genome position (GRCh38, 1-based): chr7:4,791,141, G>A. VCF-style: chr7-4791141-G-A. GRCh37 (hg19) VCF-style: chr7-4830772-G-A.
Other names: c.1712G>A, p.Arg571Lys (NM_001364858.1); short protein forms R571K, R727K.
Identifiers: ClinVar variation 810062 (VCV000810062.46), dbSNP rs1250099836, ClinGen allele CA366665430.
Genomic context (GRCh38, chr7:4,791,141, plus strand): 5'-ATCTGCAGCTGACGGAGGGACCTTCTTTCCCCAGGGCCTCTTTATTGCTGTCAAAGATGA[G>A]GACCCTGGCTCACAGTCCAGCCACCAGCTCCACGCACAGCGAGGAGGGCGCGGAAGCCAT-3'
Protein context (NP_055670.1, residues 717-737): PRASLLLSKM[Arg727Lys]TLAHSPATSS

ClinVar aggregate classification (germline): Uncertain significance. Review status: criteria provided, multiple submitters, no conflicts (2 of 4 stars). 2 submissions from 2 submitters: Uncertain significance (2). Last evaluated 2022-03-27.

Conditions:
Hereditary spastic paraplegia 48. Also called: SPASTIC PARAPLEGIA 48, AUTOSOMAL RECESSIVE; Spastic paraplegia 48. Identifiers: Orphanet 306511, MedGen C3150901, MONDO:0013342, OMIM 613647.

Allele frequency attached by ClinVar (database versions not stated): gnomAD exomes below 0.00001 and 0.00001; TOPMed below 0.00001.
gnomAD v4.1: 7 of 1,606,536 alleles (0.00044%); highest among the groups gnomAD compares: Middle Eastern, 0.017%; no homozygotes.

Submissions (2):

Labcorp Genetics (formerly Invitae), Labcorp
Classification: Uncertain significance for Hereditary spastic paraplegia 48. Last evaluated: 2022-03-27. Review status: criteria provided, single submitter. Criteria: Invitae Variant Classification Sherloc (09022015). Collection method: clinical testing. Allele origin: germline.
Comment: In summary, the available evidence is currently insufficient to determine the role of this variant in disease. Therefore, it has been classified as a Variant of Uncertain Significance. Algorithms developed to predict the effect of missense changes on protein structure and function are either unavailable or do not agree on the potential impact of this missense change (SIFT: "Deleterious"; PolyPhen-2: "Benign"; Align-GVGD: "Class C0"). ClinVar contains an entry for this variant (Variation ID: 810062). This variant has not been reported in the literature in individuals affected with AP5Z1-related conditions. The frequency data for this variant in the population databases is considered unreliable, as metrics indicate poor data quality at this position in the gnomAD database. This sequence change replaces arginine, which is basic and polar, with lysine, which is basic and polar, at codon 727 of the AP5Z1 protein (p.Arg727Lys).

CeGaT Center for Human Genetics Tuebingen
Classification: Uncertain significance. Last evaluated: 2016-05-01. Review status: criteria provided, single submitter. Criteria: CeGaT Center For Human Genetics Tuebingen Variant Classification Criteria Version 2. Collection method: clinical testing. Allele origin: germline. Affected: yes. Observed: 1 variant allele.